The following is an entry in ClinVar:

NM_001009944.3(PKD1):c.10143C>T (p.Leu3381=)

Gene: PKD1 (polycystin 1, transient receptor potential channel interacting; minus strand). Cytogenetic location: 16p13.3.
Variant type: single nucleotide variant.
Coding change: c.10143C>T on transcript NM_001009944.3 (MANE Select); coding-DNA position 10143, C replaced by T.
Protein change: p.Leu3381=; no amino-acid change (leucine 3381 retained).
Molecular consequence: synonymous variant.
Genome position (GRCh38, 1-based): chr16:2,097,892, G>A on the plus strand (C>T on the coding strand, the complement: PKD1 is on the minus strand). VCF-style: chr16-2097892-G-A. GRCh37 (hg19) VCF-style: chr16-2147893-G-A.
Other names: c.10143C>T, p.Leu3381= (NM_000296.4).
Identifiers: ClinVar variation 3042461 (VCV003042461.2), dbSNP rs139921287, ClinGen allele CA7829791.

ClinVar aggregate classification (germline): Likely benign (0 of 4 stars; one submission).

Conditions:
PKD1-related disorder. Also called: PKD1-related condition.

Allele frequency attached by ClinVar (database versions not stated): gnomAD 0.00003; gnomAD exomes 0.00003; TOPMed 0.00003; ExAC 0.00005; ESP Exome Variant Server 0.00015.
gnomAD v4.1: 54 of 1,604,744 alleles (0.0034%); highest among the groups gnomAD compares: Non-Finnish European, 0.0033%; no homozygotes.

Submission:

PreventionGenetics, part of Exact Sciences
Classification: Likely benign for PKD1-related condition. Last evaluated: 2019-03-28. Review status: no assertion criteria provided. Collection method: clinical testing. Allele origin: germline.
Comment: This variant is classified as likely benign based on ACMG/AMP sequence variant interpretation guidelines (Richards et al. 2015 PMID: 25741868, with internal and published modifications).